The following is an entry in ClinVar:

NM_001039213.4(CEACAM16):c.70A>C (p.Ile24Leu)

Genes: CEACAM16 (CEA cell adhesion molecule 16, tectorial membrane component; plus strand), CEACAM16-AS1 (CEACAM16, CEACAM19 and PVR antisense RNA 1; minus strand). Cytogenetic location: 19q13.32.
Variant type: single nucleotide variant.
Coding change: c.70A>C on transcript NM_001039213.4 (MANE Select); coding-DNA position 70, A replaced by C.
Protein change: p.Ile24Leu; replaces isoleucine 24 with leucine.
Molecular consequence: missense variant.
Genome position (GRCh38, 1-based): chr19:44,703,381, A>C. VCF-style: chr19-44703381-A-C. GRCh37 (hg19) VCF-style: chr19-45206651-A-C.
Other names: short protein forms I24L.
Identifiers: ClinVar variation 1307090 (VCV001307090.2), dbSNP rs1974380866, ClinGen allele CA406287243.

ClinVar aggregate classification (germline): Uncertain significance (1 of 4 stars; one submission).

Submission:

GeneDx
Classification: Uncertain significance. Last evaluated: 2019-08-01. Review status: criteria provided, single submitter. Criteria: GeneDx Variant Classification Process June 2021. Collection method: clinical testing. Allele origin: germline. Affected: yes.
Comment: Has not been previously published as pathogenic or benign to our knowledge; Not observed in large population cohorts (Lek et al., 2016); In silico analysis, which includes protein predictors and evolutionary conservation, supports that this variant does not alter protein structure/function